The following is an entry in ClinVar:

NM_145239.3(PRRT2):c.591C>T (p.Ala197=)

Genes: MVP-DT (MVP divergent transcript; minus strand), PRRT2 (proline rich transmembrane protein 2; plus strand). Cytogenetic location: 16p11.2.
Variant type: single nucleotide variant.
Coding change: c.591C>T on transcript NM_145239.3 (MANE Select); coding-DNA position 591, C replaced by T.
Protein change: p.Ala197=; no amino-acid change (alanine 197 retained).
Molecular consequence: synonymous variant.
Genome position (GRCh38, 1-based): chr16:29,813,645, C>T. VCF-style: chr16-29813645-C-T. GRCh37 (hg19) VCF-style: chr16-29824966-C-T.
Other names: c.591C>T, p.Ala197= (NM_001256442.2, NM_001256443.2).
Identifiers: ClinVar variation 1653562 (VCV001653562.21), dbSNP rs958471607, ClinGen allele CA280409845.

ClinVar aggregate classification (germline): Likely benign. Review status: criteria provided, multiple submitters, no conflicts (2 of 4 stars). 2 submissions from 2 submitters: Likely benign (2). Last evaluated 2025-01-01.

Conditions:
Episodic kinesigenic dyskinesia (EKD). Also called: Paroxysmal kinesigenic dyskinesia. Identifiers: Orphanet 98809, MedGen C1868682, MONDO:0044202.

Allele frequency attached by ClinVar (database versions not stated): TOPMed below 0.00001.

Submissions (2):

CeGaT Center for Human Genetics Tuebingen
Classification: Likely benign. Last evaluated: 2025-01-01. Review status: criteria provided, single submitter. Criteria: CeGaT Center For Human Genetics Tuebingen Variant Classification Criteria Version 2. Collection method: clinical testing. Allele origin: germline. Affected: yes. Observed: 1 variant allele.
Comment: PRRT2: PM2:Supporting, BP4, BP7

Labcorp Genetics (formerly Invitae), Labcorp
Classification: Likely benign for Episodic kinesigenic dyskinesia. Last evaluated: 2024-02-24. Review status: criteria provided, single submitter. Criteria: Invitae Variant Classification Sherloc (09022015). Collection method: clinical testing. Allele origin: germline.